The following is an entry in ClinVar:

ClinVar aggregate classification (germline): Benign/Likely benign. Review status: criteria provided, multiple submitters, no conflicts (2 of 4 stars). 4 submissions from 4 submitters: Benign (1); Likely benign (2). 1 of the submissions does not count toward it. Last evaluated 2026-04-01.

Conditions:
FMN2-related disorder. Also called: FMN2-related condition.

Submissions (4):

CeGaT Center for Human Genetics Tuebingen
Classification: Likely benign. Last evaluated: 2026-04-01. Review status: criteria provided, single submitter. Criteria: CeGaT Center For Human Genetics Tuebingen Variant Classification Criteria Version 2. Collection method: clinical testing. Allele origin: germline. Affected: yes. Observed: 4 variant alleles.
Comment: FMN2: BS1

Blueprint Genetics
Classification: Likely benign. Last evaluated: 2024-08-06. Review status: criteria provided, single submitter. Criteria: ACMG Guidelines, 2015. Collection method: clinical testing. Allele origin: germline.

Labcorp Genetics (formerly Invitae), Labcorp
Classification: Benign. Last evaluated: 2019-12-31. Review status: criteria provided, single submitter. Criteria: Invitae Variant Classification Sherloc (09022015). Collection method: clinical testing. Allele origin: germline.

PreventionGenetics, part of Exact Sciences
Classification: Likely benign for FMN2-related condition. Last evaluated: 2019-09-06. Review status: no assertion criteria provided. Collection method: clinical testing. Allele origin: germline. Not counted in ClinVar's aggregate classification.
Comment: This variant is classified as likely benign based on ACMG/AMP sequence variant interpretation guidelines (Richards et al. 2015 PMID: 25741868, with internal and published modifications).

NM_020066.5(FMN2):c.617AGC[8] (p.Gln212dup)

Gene: FMN2 (formin 2; plus strand). Cytogenetic location: 1q43.
Variant type: Microsatellite.
Coding change: c.617AGC[8] on transcript NM_020066.5 (MANE Select); eight copies in a row of the 3-base unit AGC starting at c.617; the reference has seven copies in a row; one copy, 3 bases duplicated.
Protein change: p.Gln212dup; duplicates glutamine 212.
Molecular consequence: inframe insertion.
Genome position (GRCh38, 1-based): chr1:240,092,744-240,092,746, AGC duplicated; duplicating any 3 consecutive bases within chr1:240,092,724-240,092,746 gives the same sequence; the position shown is the placement nearest the transcript's 3' end. VCF-style (leftmost placement, unchanged base first): chr1-240092723-T-TGCA. GRCh37 (hg19) VCF-style: chr1-240256023-T-TGCA.
Other names: c.617AGC[8], p.Gln212dup (NM_001305424.2, NM_001348094.2); c.635_637dupAGC (NM_020066.4).
Identifiers: ClinVar variation 709718 (VCV000709718.30), dbSNP rs565189382, ClinGen allele CA1476197.